The following is an entry in ClinVar:

ClinVar aggregate classification (germline): Likely pathogenic. Review status: criteria provided, multiple submitters, no conflicts (2 of 4 stars). 2 submissions from 2 submitters: Likely pathogenic (2). Last evaluated 2025-12-18.

Conditions:
Leber congenital amaurosis 5 (LCA5). Also called: Amaurosis congenita of Leber, type 5. Identifiers: Orphanet 65, MedGen C1858301, MONDO:0011473, OMIM 604537.
LCA5-related disorder. Also called: LCA5-related condition.

Submissions (2):

Natera, Inc.
Classification: Likely pathogenic for Leber congenital amaurosis type 5. Last evaluated: 2025-12-18. Review status: criteria provided, single submitter. Criteria: Natera Variant Classification Schema (03/2026). Collection method: clinical testing. Allele origin: germline.
Comment: The c.805del variant in LCA5 is a frameshift variant predicted to shift the reading frame beginning at codon 269 and leads to a stop codon 17 codons downstream. This variant is expected to result in nonsense mediated decay, truncation, or a dysfunctional protein product. This variant is rare in the general population with a frequency below the threshold expected for the associated phenotype(s). Given the available evidence, this variant is classified as Likely Pathogenic.

Blueprint Genetics
Classification: Likely pathogenic for LCA5-related disorders. Last evaluated: 2019-01-04. Review status: criteria provided, single submitter. Criteria: ACMG Guidelines, 2015. Collection method: clinical testing. Allele origin: germline. Affected: yes. Observed: 1 variant allele.

NM_001122769.3(LCA5):c.805del (p.Asp269fs)

Gene: LCA5 (lebercilin LCA5; minus strand). Cytogenetic location: 6q14.1.
Variant type: Deletion.
Coding change: c.805del on transcript NM_001122769.3 (MANE Select); coding-DNA position 805, one base deleted (G; older notation c.805delG).
Protein change: p.Asp269fs; shifts the reading frame from aspartic acid 269.
Molecular consequence: frameshift variant.
Genome position (GRCh38, 1-based): chr6:79,493,666, C deleted on the plus strand (G on the coding strand, the reverse complement: LCA5 is on the minus strand). VCF-style (leftmost placement, unchanged base first): chr6-79493665-TC-T. GRCh37 (hg19) VCF-style: chr6-80203382-TC-T.
Other names: c.805del, p.Asp269fs (NM_181714.4); short protein forms D269fs.
Identifiers: ClinVar variation 4816990 (VCV004816990.2).